The following is an entry in ClinVar:

ClinVar aggregate classification (germline): Likely benign. Review status: criteria provided, multiple submitters, no conflicts (2 of 4 stars). 12 submissions from 12 submitters: Likely benign (8). 4 of the submissions do not count toward it. Last evaluated 2026-09-01.

Conditions:
Multiple sclerosis. Identifiers: MedGen C0026769, MONDO:0005301.
Epidermolysis bullosa simplex 5B, with muscular dystrophy (EBS5B). Also called: Epidermolysis bullosa simplex with muscular dystrophy; EPIDERMOLYSIS BULLOSA SIMPLEX AND LIMB-GIRDLE MUSCULAR DYSTROPHY. Identifiers: Orphanet 257, MedGen C2931072, MONDO:0009181, OMIM 226670.
Epidermolysis bullosa simplex with nail dystrophy (EBS5D). Identifiers: MedGen C4225309, MONDO:0014661, OMIM 616487.
Autosomal recessive limb-girdle muscular dystrophy type 2Q (LGMDR17). Also called: MUSCULAR DYSTROPHY, LIMB-GIRDLE, AUTOSOMAL RECESSIVE 17. Identifiers: Orphanet 254361, MedGen C3150989, MONDO:0013390, OMIM 613723.
Epidermolysis bullosa simplex 5C, with pyloric atresia (EBS5C). Also called: PLEC-Related Epidermolysis Bullosa with Pyloric Atresia; PLEC1-Related Epidermolysis Bullosa with Pyloric Atresia; Epidermolysis bullosa simplex with pyloric atresia. Identifiers: Orphanet 158684, MedGen C2677349, MONDO:0012807, OMIM 612138.
Epidermolysis bullosa simplex, Ogna type (EBS5A). Also called: Pidermolysis bullosa simplex 5A, Ogna type; EPIDERMOLYSIS BULLOSA SIMPLEX 5A, OGNA TYPE. Identifiers: Orphanet 79401, MedGen C0432317, MONDO:0007555, OMIM 131950.

Allele frequency attached by ClinVar (database versions not stated): gnomAD exomes 0.00247 and 0.00397; 1000 Genomes Project 0.00260; gnomAD 0.00300 and 0.00301; ExAC 0.00305; TOPMed 0.00368; 1000 Genomes Project 30x 0.00406.

Submissions (12):

CeGaT Center for Human Genetics Tuebingen
Classification: Likely benign. Last evaluated: 2026-09-01. Review status: criteria provided, single submitter. Criteria: CeGaT Center For Human Genetics Tuebingen Variant Classification Criteria Version 2. Collection method: clinical testing. Allele origin: germline. Affected: yes. Observed: 14 variant alleles.
Comment: PLEC: BS2

Labcorp Genetics (formerly Invitae), Labcorp
Classification: Likely benign for Autosomal recessive limb-girdle muscular dystrophy type 2Q; Epidermolysis bullosa simplex, Ogna type; Epidermolysis bullosa simplex with nail dystrophy; Epidermolysis bullosa simplex 5C, with pyloric atresia; Epidermolysis bullosa simplex 5B, with muscular dystrophy. Last evaluated: 2026-01-24. Review status: criteria provided, single submitter. Criteria: Invitae Variant Classification Sherloc (09022015). Collection method: clinical testing. Allele origin: germline.

Blueprint Genetics
Classification: Likely benign. Last evaluated: 2024-11-26. Review status: criteria provided, single submitter. Criteria: ACMG Guidelines, 2015. Collection method: clinical testing. Allele origin: germline.

Mayo Clinic Laboratories, Mayo Clinic
Classification: Likely benign. Last evaluated: 2024-02-28. Review status: criteria provided, single submitter. Criteria: ACMG Guidelines, 2015. Collection method: clinical testing. Allele origin: germline. Observed: 11 variant alleles.
Comment: BS1, BP4

GeneDx
Classification: Likely benign. Last evaluated: 2021-03-22. Review status: criteria provided, single submitter. Criteria: GeneDx Variant Classification Process June 2021. Collection method: clinical testing. Allele origin: germline. Affected: yes.
Comment: This variant is associated with the following publications: (PMID: 27181684)

Athena Diagnostics
Classification: Likely benign. Last evaluated: 2018-12-26. Review status: criteria provided, single submitter. Criteria: Athena Diagnostics Criteria. Collection method: clinical testing. Allele origin: germline.

Center for Pediatric Genomic Medicine, Children's Mercy Hospital and Clinics
Classification: Likely benign. Last evaluated: 2017-09-12. Review status: criteria provided, single submitter. Criteria: ACMG Guidelines, 2015. Collection method: clinical testing. Allele origin: germline.

Eurofins Ntd Llc (ga)
Classification: Likely benign. Last evaluated: 2015-10-23. Review status: criteria provided, single submitter. Criteria: EGL Classification Definitions 2015. Collection method: clinical testing. Allele origin: germline. Observed: 6 variant alleles, 5 heterozygotes.

Department of Molecular Biology and Genetics, Acibadem University
Classification: Likely pathogenic for Multiple sclerosis. Last evaluated: 2024-06-10. Review status: no assertion criteria provided. Collection method: research. Allele origin: germline. Affected: yes. Not counted in ClinVar's aggregate classification.

Clinical Genetics DNA and cytogenetics Diagnostics Lab, Erasmus MC, Erasmus Medical Center
Classification: Uncertain significance. Review status: no assertion criteria provided. Collection method: clinical testing. Allele origin: germline. Affected: yes. Study: VKGL Data-share Consensus. Not counted in ClinVar's aggregate classification.

Diagnostic Laboratory, Department of Genetics, University Medical Center Groningen
Classification: Uncertain significance. Review status: no assertion criteria provided. Collection method: clinical testing. Allele origin: germline. Affected: yes. Study: VKGL Data-share Consensus. Not counted in ClinVar's aggregate classification.

Laboratory of Diagnostic Genome Analysis, Leiden University Medical Center (LUMC)
Classification: Uncertain significance. Review status: no assertion criteria provided. Collection method: clinical testing. Allele origin: germline. Affected: yes. Study: VKGL Data-share Consensus. Not counted in ClinVar's aggregate classification.

Literature cited by the submitters: PubMed 27392081 (cited by Athena Diagnostics).

NM_201384.3(PLEC):c.4651C>T (p.Arg1551Cys)

Gene: PLEC (plectin; minus strand). Cytogenetic location: 8q24.3.
Variant type: single nucleotide variant.
Coding change: c.4651C>T on transcript NM_201384.3 (MANE Select); coding-DNA position 4651, C replaced by T.
Protein change: p.Arg1551Cys; replaces arginine 1551 with cysteine.
Molecular consequence: missense variant.
Genome position (GRCh38, 1-based): chr8:143,925,278, G>A on the plus strand (C>T on the coding strand, the complement: PLEC is on the minus strand). VCF-style: chr8-143925278-G-A. GRCh37 (hg19) VCF-style: chr8-144999446-G-A.
Other names: p.Arg1537Cys; c.4732C>T, p.Arg1578Cys (NM_000445.5); c.4609C>T, p.Arg1537Cys (NM_201378.4); c.4585C>T, p.Arg1529Cys (NM_201379.3); c.5062C>T, p.Arg1688Cys (NM_201380.4); c.4555C>T, p.Arg1519Cys (NM_201381.3); c.4651C>T, p.Arg1551Cys (NM_201382.4); c.4663C>T, p.Arg1555Cys (NM_201383.3); short protein forms R1519C, R1529C, R1537C, R1551C, R1555C, R1578C, R1688C.
Identifiers: ClinVar variation 196717 (VCV000196717.71), dbSNP rs2857824, ClinGen allele CA090887.